The following is an entry in ClinVar:

ClinVar aggregate classification (germline): Uncertain significance (1 of 4 stars; one submission).

Conditions:
Charcot-Marie-Tooth disease type 2. Also called: Charcot-Marie-Tooth type 2. Identifiers: Orphanet 64746, MedGen C0270914, MONDO:0018993.

gnomAD v4.1: 2 of 1,614,188 alleles (0.00012%); highest among the groups gnomAD compares: South Asian, 0.0022%; no homozygotes.

Submission:

Labcorp Genetics (formerly Invitae), Labcorp
Classification: Uncertain significance for Charcot-Marie-Tooth disease type 2. Last evaluated: 2024-10-22. Review status: criteria provided, single submitter. Criteria: Invitae Variant Classification Sherloc (09022015). Collection method: clinical testing. Allele origin: germline.
Comment: This sequence change replaces valine, which is neutral and non-polar, with alanine, which is neutral and non-polar, at codon 629 of the AARS protein (p.Val629Ala). This variant is not present in population databases (gnomAD no frequency). This variant has not been reported in the literature in individuals affected with AARS-related conditions. Invitae Evidence Modeling of protein sequence and biophysical properties (such as structural, functional, and spatial information, amino acid conservation, physicochemical variation, residue mobility, and thermodynamic stability) has been performed for this missense variant. However, the output from this modeling did not meet the statistical confidence thresholds required to predict the impact of this variant on AARS protein function. In summary, the available evidence is currently insufficient to determine the role of this variant in disease. Therefore, it has been classified as a Variant of Uncertain Significance.

NM_001605.3(AARS1):c.1886T>C (p.Val629Ala)

Gene: AARS1 (alanyl-tRNA synthetase 1; minus strand). Cytogenetic location: 16q22.1.
Variant type: single nucleotide variant.
Coding change: c.1886T>C on transcript NM_001605.3 (MANE Select); coding-DNA position 1886, T replaced by C.
Protein change: p.Val629Ala; replaces valine 629 with alanine.
Molecular consequence: missense variant.
Genome position (GRCh38, 1-based): chr16:70,259,086, A>G on the plus strand (T>C on the coding strand, the complement: AARS1 is on the minus strand). VCF-style: chr16-70259086-A-G. GRCh37 (hg19) VCF-style: chr16-70292989-A-G.
Other names: short protein forms V629A.
Identifiers: ClinVar variation 3671506 (VCV003671506.2).
Genomic context (GRCh38, chr16:70,259,086, plus strand): 5'-ATCTGTTGGGTGGACATGGCTCCCTTGGCAGTAAAGTCAAATCTGAGGCGGTCAGGAGCA[A>G]CCAATGAGCCTTTCTGGTCAGCTTCCCCAAGCACTGAGCGCAGGGCGAAGTTCAGAATGT-3'
Protein context (NP_001596.2, residues 619-639): LGEADQKGSL[Val629Ala]APDRLRFDFT